The following is an entry in ClinVar:

NM_005562.3(LAMC2):c.2015G>C (p.Gly672Ala)

Gene: LAMC2 (laminin subunit gamma 2; plus strand). Cytogenetic location: 1q25.3.
Variant type: single nucleotide variant.
Coding change: c.2015G>C on transcript NM_005562.3 (MANE Select); coding-DNA position 2015, G replaced by C.
Protein change: p.Gly672Ala; replaces glycine 672 with alanine.
Molecular consequence: missense variant.
Genome position (GRCh38, 1-based): chr1:183,232,652, G>C. VCF-style: chr1-183232652-G-C. GRCh37 (hg19) VCF-style: chr1-183201787-G-C.
Other names: c.2015G>C, p.Gly672Ala (NM_018891.3); c.2015G>C (NM_005562.2); short protein forms G672A.
Identifiers: ClinVar variation 1415944 (VCV001415944.6), dbSNP rs765743445, ClinGen allele CA1282804.

ClinVar aggregate classification (germline): Uncertain significance. Review status: criteria provided, multiple submitters, no conflicts (2 of 4 stars). 2 submissions from 2 submitters: Uncertain significance (2). Last evaluated 2024-10-01.

Conditions:
Inborn genetic diseases. Identifiers: MedGen C0950123, MeSH D030342.

Allele frequency attached by ClinVar (database versions not stated): ExAC 0.00001; gnomAD exomes 0.00001 and 0.00002; TOPMed 0.00004; gnomAD 0.00007 and 0.00008.
gnomAD v4.1: 18 of 1,612,354 alleles (0.0011%); highest among the groups gnomAD compares: Admixed American, 0.028%; no homozygotes.

Submissions (2):

Ambry Genetics
Classification: Uncertain significance for Inborn genetic diseases. Last evaluated: 2024-10-01. Review status: criteria provided, single submitter. Criteria: Ambry Variant Classification Scheme 2023. Collection method: clinical testing. Allele origin: germline.

Labcorp Genetics (formerly Invitae), Labcorp
Classification: Uncertain significance. Last evaluated: 2021-09-17. Review status: criteria provided, single submitter. Criteria: Invitae Variant Classification Sherloc (09022015). Collection method: clinical testing. Allele origin: germline.
Comment: This sequence change replaces glycine with alanine at codon 672 of the LAMC2 protein (p.Gly672Ala). The glycine residue is highly conserved and there is a small physicochemical difference between glycine and alanine. This variant is present in population databases (rs765743445, ExAC 0.009%). This variant has not been reported in the literature in individuals with LAMC2-related conditions. Algorithms developed to predict the effect of missense changes on protein structure and function (SIFT, PolyPhen-2, Align-GVGD) all suggest that this variant is likely to be tolerated, but these predictions have not been confirmed by published functional studies and their clinical significance is uncertain. Algorithms developed to predict the effect of sequence changes on RNA splicing suggest that this variant may disrupt the consensus splice site, but this prediction has not been confirmed by published transcriptional studies. In summary, the available evidence is currently insufficient to determine the role of this variant in disease. Therefore, it has been classified as a Variant of Uncertain Significance.